The following is an entry in ClinVar:

NM_003118.4(SPARC):c.343G>T (p.Asp115Tyr)

Gene: SPARC (secreted protein acidic and cysteine rich; minus strand). Cytogenetic location: 5q33.1.
Variant type: single nucleotide variant.
Coding change: c.343G>T on transcript NM_003118.4 (MANE Select); coding-DNA position 343, G replaced by T.
Protein change: p.Asp115Tyr; replaces aspartic acid 115 with tyrosine.
Molecular consequence: missense variant.
Genome position (GRCh38, 1-based): chr5:151,669,772, C>A on the plus strand (G>T on the coding strand, the complement: SPARC is on the minus strand). VCF-style: chr5-151669772-C-A. GRCh37 (hg19) VCF-style: chr5-151049333-C-A.
Other names: c.340G>T, p.Asp114Tyr (NM_001309443.2); c.343G>T, p.Asp115Tyr (NM_001309444.2); short protein forms D114Y, D115Y.
Identifiers: ClinVar variation 1918303 (VCV001918303.4), dbSNP rs780811976, ClinGen allele CA3522722.

ClinVar aggregate classification (germline): Uncertain significance. Review status: criteria provided, multiple submitters, no conflicts (2 of 4 stars). 2 submissions from 2 submitters: Uncertain significance (2). Last evaluated 2022-11-07.

Conditions:
Inborn genetic diseases. Identifiers: MedGen C0950123, MeSH D030342.

Allele frequency attached by ClinVar (database versions not stated): gnomAD 0.00001; gnomAD exomes 0.00001; TOPMed 0.00001; ExAC 0.00002.
gnomAD v4.1: 15 of 1,614,068 alleles (0.00093%); highest among the groups gnomAD compares: Admixed American, 0.0017%; no homozygotes.

Submissions (2):

Ambry Genetics
Classification: Uncertain significance for Inborn genetic diseases. Last evaluated: 2022-11-07. Review status: criteria provided, single submitter. Criteria: Ambry Variant Classification Scheme 2023. Collection method: clinical testing. Allele origin: germline.

Labcorp Genetics (formerly Invitae), Labcorp
Classification: Uncertain significance. Last evaluated: 2022-10-07. Review status: criteria provided, single submitter. Criteria: Invitae Variant Classification Sherloc (09022015). Collection method: clinical testing. Allele origin: germline.
Comment: In summary, the available evidence is currently insufficient to determine the role of this variant in disease. Therefore, it has been classified as a Variant of Uncertain Significance. Advanced modeling of protein sequence and biophysical properties (such as structural, functional, and spatial information, amino acid conservation, physicochemical variation, residue mobility, and thermodynamic stability) performed at Invitae indicates that this missense variant is not expected to disrupt SPARC protein function. This variant has not been reported in the literature in individuals affected with SPARC-related conditions. This variant is present in population databases (rs780811976, gnomAD 0.003%). This sequence change replaces aspartic acid, which is acidic and polar, with tyrosine, which is neutral and polar, at codon 115 of the SPARC protein (p.Asp115Tyr).